The following is an entry in ClinVar:

ClinVar aggregate classification (germline): Pathogenic (1 of 4 stars; one submission).

Submission:

Labcorp Genetics (formerly Invitae), Labcorp
Classification: Pathogenic. Last evaluated: 2024-02-14. Review status: criteria provided, single submitter. Criteria: Invitae Variant Classification Sherloc (09022015). Collection method: clinical testing. Allele origin: germline.
Comment: This sequence change creates a premature translational stop signal (p.Lys114*) in the PEPD gene. It is expected to result in an absent or disrupted protein product. Loss-of-function variants in PEPD are known to be pathogenic (PMID: 8198124, 10721675, 12384772, 17142620). This variant is not present in population databases (gnomAD no frequency). This variant has not been reported in the literature in individuals affected with PEPD-related conditions. ClinVar contains an entry for this variant (Variation ID: 1439106). For these reasons, this variant has been classified as Pathogenic.

Literature cited by the submitters: PubMed 8198124; PubMed 10721675; PubMed 12384772; PubMed 17142620.

NM_000285.4(PEPD):c.340A>T (p.Lys114Ter)

Gene: PEPD (peptidase D; minus strand). Cytogenetic location: 19q13.11.
Variant type: single nucleotide variant.
Coding change: c.340A>T on transcript NM_000285.4 (MANE Select); coding-DNA position 340, A replaced by T.
Protein change: p.Lys114Ter; replaces lysine 114 with a stop codon.
Molecular consequence: nonsense. On other transcripts: intron variant (1).
Genome position (GRCh38, 1-based): chr19:33,500,991, T>A on the plus strand (A>T on the coding strand, the complement: PEPD is on the minus strand). VCF-style: chr19-33500991-T-A. GRCh37 (hg19) VCF-style: chr19-33991897-T-A.
Other names: c.340A>T, p.Lys114Ter (NM_001166056.2); c.202-7654A>T (NM_001166057.2); short protein forms K114*.
Identifiers: ClinVar variation 1439106 (VCV001439106.6), dbSNP rs2145335364, ClinGen allele CA405231223.